The following is an entry in ClinVar:

NM_001077365.2(POMT1):c.699+85C>G

Gene: POMT1 (protein O-mannosyltransferase 1; plus strand). Cytogenetic location: 9q34.13.
Variant type: single nucleotide variant.
Coding change: c.699+85C>G on transcript NM_001077365.2 (MANE Select); 85 bases into the intron after coding-DNA position 699, C replaced by G.
Molecular consequence: intron variant. On other transcripts: missense variant (1).
Genome position (GRCh38, 1-based): chr9:131,510,081, C>G. VCF-style: chr9-131510081-C-G. GRCh37 (hg19) VCF-style: chr9-134385468-C-G.
Other names: c.622C>G, p.Pro208Ala (NM_001374689.1); c.603+19C>G (NM_001353198.2, NM_001353197.2); c.765+19C>G (NM_001353193.2, NM_007171.4); c.699+85C>G (NM_001136113.2, NM_001374690.1); c.537+85C>G (NM_001353194.2, NM_001077366.2, NM_001374693.1); c.348+85C>G (NM_001374691.1, NM_001353195.2, NM_001374692.1 and 1 more transcripts); c.609+85C>G (NM_001353196.2); c.309+19C>G (NM_001374695.1); and 2 more; short protein forms P208A.
Identifiers: ClinVar variation 507515 (VCV000507515.11), dbSNP rs369000699, ClinGen allele CA5293389.

ClinVar aggregate classification (germline): Likely benign. Review status: criteria provided, multiple submitters, no conflicts (2 of 4 stars). 4 submissions from 4 submitters: Likely benign (4). Last evaluated 2026-02-02.

Conditions:
Autosomal recessive limb-girdle muscular dystrophy type 2K. Also called: MUSCULAR DYSTROPHY-DYSTROGLYCANOPATHY (LIMB-GIRDLE), TYPE C, 1; MUSCULAR DYSTROPHY, LIMB-GIRDLE, TYPE 2K. Identifiers: Orphanet 86812, MedGen C1836373, MONDO:0012248, OMIM 609308.
Muscular dystrophy-dystroglycanopathy (congenital with impaired intellectual development), type B, 1. Also called: Muscular dystrophy-dystroglycanopathy (congenital with intellectual disability), type B1; MUSCULAR DYSTROPHY, CONGENITAL, POMT1-RELATED. Identifiers: MedGen C5436962, MONDO:0013159, OMIM 613155.
Walker-Warburg congenital muscular dystrophy. Also called: Muscular dystrophy-dystroglycanopathy, type A; Walker-Warburg syndrome. Identifiers: Orphanet 899, MedGen C0265221, MONDO:0000171.

Allele frequency attached by ClinVar (database versions not stated): TOPMed 0.00005; 1000 Genomes Project 0.00020; gnomAD 0.00005 and 0.00004; gnomAD exomes 0.00008; 1000 Genomes Project 30x 0.00016; ExAC 0.00008; ESP Exome Variant Server 0.00008.
gnomAD v4.1: 126 of 1,614,036 alleles (0.0078%); highest among the groups gnomAD compares: Non-Finnish European, 0.01%; no homozygotes.

Submissions (4):

Labcorp Genetics (formerly Invitae), Labcorp
Classification: Likely benign for Muscular dystrophy-dystroglycanopathy (congenital with impaired intellectual development), type B, 1; Walker-Warburg congenital muscular dystrophy; Autosomal recessive limb-girdle muscular dystrophy type 2K. Last evaluated: 2026-02-02. Review status: criteria provided, single submitter. Criteria: Invitae Variant Classification Sherloc (09022015). Collection method: clinical testing. Allele origin: germline.

Women's Health and Genetics/Laboratory Corporation of America, LabCorp
Classification: Likely benign. Last evaluated: 2024-12-12. Review status: criteria provided, single submitter. Criteria: LabCorp Variant Classification Summary - May 2015. Collection method: clinical testing. Allele origin: germline.

Blueprint Genetics
Classification: Likely benign. Last evaluated: 2024-10-14. Review status: criteria provided, single submitter. Criteria: ACMG Guidelines, 2015. Collection method: clinical testing. Allele origin: germline.

GeneDx
Classification: Likely benign. Last evaluated: 2017-02-28. Review status: criteria provided, single submitter. Criteria: GeneDx Variant Classification (06012015). Collection method: clinical testing. Allele origin: germline. Affected: yes.
Comment: This variant is considered likely benign or benign based on one or more of the following criteria: it is a conservative change, it occurs at a poorly conserved position in the protein, it is predicted to be benign by multiple in silico algorithms, and/or has population frequency not consistent with disease.